The following continues an entry in ClinVar:

NM_000053.4(ATP7B):c.3809A>G (p.Asn1270Ser)

Gene: ATP7B. ClinVar aggregate classification (germline): Conflicting classifications of pathogenicity. Pathogenic (27); Uncertain significance (1).

Submissions 22 to 31 of 31:

Laboratory for Molecular Medicine, Mass General Brigham Personalized Medicine
Classification: Pathogenic for Wilson disease. Last evaluated: 2020-06-11. Review status: criteria provided, single submitter. Criteria: ACMG Guidelines, 2015. Collection method: clinical testing. Allele origin: germline.
Comment: The p.Asn1270Ser variant in ATP7B has been identified in >50 probands across multiple ethnic groups with Wilson disease, including at least 4 homozygotes and >15 compound heterozygotes, and has segregated in at least 4 affected siblings (Abuduxikuer 2015, Barada2010, Bost 2012, Chen 2019, Coffey 2013, Daneshjoo 2018, Deguti 2004, Dong 2016, Guggilla 2015, Hua 2016, Kuppala 2009, Li 2013, Okada 2000, Shah 1997, Wan 2010, Yoo 2002, Zali 2011). This variant has also been identified in 0.08% (30/35376) of Latino chromosomes, including 1 homozygote by gnomAD; however, this frequency is low enough to be consistent with a recessive allele frequency given an estimated prevalence of 1/30000 for Wilson disease. In vitro functional studies suggest that the variant may impact protein function (Huster 2012, Lida 1998), and computational prediction tools and conservation analysis suggest that this variant may impact the protein. In summary, this variant meets criteria to be classified as pathogenic for autosomal recessive Wilson disease. ACMG/AMP criteria applied: PM3_VeryStrong, PP1_Strong, PP3, PP4, PS3_Supporting.

Myriad Genetics, Inc.
Classification: Pathogenic for Wilson disease. Last evaluated: 2020-01-03. Review status: criteria provided, single submitter. Criteria: Myriad Women's Health Autosomal Recessive and X-Linked Classification Criteria (2019). Collection method: clinical testing. Allele origin: unknown.
Comment: NM_000053.3(ATP7B):c.3809A>G(N1270S) is classified as pathogenic in the context of Wilson Disease. Sources cited for classification include the following: PMID 23518715, 12544487, 22240481, 10790207, 9452121, 9829905, 19419418, 9311736, 7626145 and 9654149. Classification of NM_000053.3(ATP7B):c.3809A>G(N1270S) is based on the following criteria: This is a well-established pathogenic variant in the literature that has been observed more frequently in patients with clinical diagnoses than in healthy populations. Please note: this variant was assessed in the context of healthy population screening.

Women's Health and Genetics/Laboratory Corporation of America, LabCorp
Classification: Pathogenic for Wilson disease. Last evaluated: 2018-07-02. Review status: criteria provided, single submitter. Criteria: LabCorp Variant Classification Summary - May 2015. Collection method: clinical testing. Allele origin: germline.
Comment: Variant summary: ATP7B c.3809A>G (p.Asn1270Ser) results in a conservative amino acid change in the encoded protein sequence. Four of five in-silico tools predict a damaging effect of the variant on protein function. The variant allele was found at a frequency of 0.00015 in 120980 control chromosomes. This frequency is not higher than expected for a pathogenic variant in ATP7B causing Wilson Disease (0.00015 vs 0.0054), allowing no conclusion about variant significance. c.3809A>G has been reported in the literature in numerous individuals affected with Wilson Disease as both a homozygous and compound heterozygous allele. These data indicate that the variant is very likely to be associated with disease. At least one publication reports experimental evidence on the variant and showed that copper uptake and transport are both defective (Huster_2012). Three clinical diagnostic laboratories have submitted clinical-significance assessments for this variant to ClinVar after 2014 and all classified the variant as pathogenic. Based on the evidence outlined above, the variant was classified as pathogenic.

Ambry Genetics
Classification: Pathogenic for Inborn genetic diseases. Last evaluated: 2017-08-03. Review status: criteria provided, single submitter. Criteria: Ambry Variant Classification Scheme 2023. Collection method: clinical testing. Allele origin: germline.
Comment: The p.N1270S pathogenic mutation (also known as c.3809A>G), located in coding exon 18 of the ATP7B gene, results from an A to G substitution at nucleotide position 3809. The asparagine at codon 1270 is replaced by serine, an amino acid with highly similar properties. This mutation has been identified in multiple individuals with Wilson disease, including several homozygous individuals (Yoo HW. Genet. Med. 2002;4:43S-48S; Deguti MM et al. Hum. Mutat., 2004 Apr;23:398; Barada K et al. J. Clin. Gastroenterol., 2010 Jul;44:432-9). When expressed in Sf9 cells, this mutation demonstrated impaired chloride transport and hyperphosphorylation (Huster D et al. Gastroenterology, 2012 Apr;142:947-956.e5). Based on the supporting evidence, this alteration is interpreted as a disease-causing mutation.

Eurofins Ntd Llc (ga)
Classification: Pathogenic. Last evaluated: 2016-11-11. Review status: criteria provided, single submitter. Criteria: EGL Classification Definitions 2015. Collection method: clinical testing. Allele origin: germline. Observed: 2 variant alleles, 2 heterozygotes.

Genetic Services Laboratory, University of Chicago
Classification: Pathogenic for Wilson disease. Last evaluated: 2013-02-08. Review status: criteria provided, single submitter. Criteria: ACMG Guidelines, 2007. Collection method: clinical testing. Allele origin: germline. Inheritance: Autosomal recessive inheritance. Affected: yes.

Juno Genomics, Hangzhou Juno Genomics, Inc
Classification: Pathogenic for Wilson disease. Review status: criteria provided, single submitter. Criteria: ACMG Guidelines, 2015. Collection method: clinical testing. Allele origin: germline.
Comment: Absent from controls (or at extremely low frequency if recessive) in Genome Aggregation Database.;Well-established in vitro or in vivo functional studies supportive of a damaging effect on the gene or gene product.;For recessive disorders, detected in trans with a pathogenic variant.;Patient's phenotype or family history is highly specific for a disease with a single genetic etiology.

CSER _CC_NCGL, University of Washington
Classification: Pathogenic for Wilson disease. Last evaluated: 2014-06-01. Review status: no assertion criteria provided. Collection method: research. Allele origin: germline. Inheritance: Autosomal recessive inheritance. Study: ESP 6500 variant annotation. Not counted in ClinVar's aggregate classification.
Comment: Variants classified for the Actionable exomic incidental findings in 6503 participants: challenges of variant classification manuscript

OMIM
Classification: Pathogenic for WILSON DISEASE. Last evaluated: 2009-04-01. Review status: no assertion criteria provided. Collection method: literature only. Allele origin: germline. Not counted in ClinVar's aggregate classification.

Genomic Medicine Center of Excellence, King Faisal Specialist Hospital and Research Centre
Classification: Uncertain significance for Wilson disease. Last evaluated: 2024-03-14. Review status: flagged submission. Criteria: ACMG Guidelines, 2015. Collection method: clinical testing. Allele origin: germline. Not counted in ClinVar's aggregate classification.
ClinVar note: Reason: Outlier claim with insufficient supporting evidence

Literature cited by the submitters: PubMed 20485189 (cited by 4 submitters); PubMed 26269689 (cited by 6 submitters); PubMed 27398169 (cited by 5 submitters); PubMed 9654149 (cited by 6 submitters); PubMed 22240481 (cited by 7 submitters); PubMed 29540233 (cited by 3 submitters); PubMed 18286826 (cited by 3billion); PubMed 8298641 (cited by 3billion and Ambry Genetics); PubMed 12544487 (cited by 7 submitters); PubMed 34324271 (cited by Natera, Inc.); PubMed 24094725 (cited by Natera, Inc.); PubMed 7626145 (cited by 4 submitters); PubMed 9311736 (cited by 5 submitters); PubMed 9452121 (cited by 3 submitters); PubMed 10790207 (cited by 5 submitters); PubMed 16696937 (cited by All of Us Research Program, National Institutes of Health and Color Diagnostics, LLC DBA Color Health); PubMed 17587212 (cited by 3 submitters); PubMed 18483695 (cited by 3 submitters); PubMed 19419418 (cited by 5 submitters); PubMed 23235335 (cited by 4 submitters); PubMed 23518715 (cited by 4 submitters); PubMed 25982861 (cited by 4 submitters); PubMed 35245129 (cited by All of Us Research Program, National Institutes of Health and Color Diagnostics, LLC DBA Color Health); PubMed 27022412 (cited by Dasa and Laboratory for Molecular Medicine, Mass General Brigham Personalized Medicine); PubMed 34470610 (cited by Dasa); PubMed 30884209 (cited by Dasa); PubMed 18156766 (cited by Dasa); PubMed 22308153 (cited by Laboratory for Molecular Medicine, Mass General Brigham Personalized Medicine); PubMed 30655162 (cited by Laboratory for Molecular Medicine, Mass General Brigham Personalized Medicine); PubMed 22677543 (cited by Laboratory for Molecular Medicine, Mass General Brigham Personalized Medicine); PubMed 15024742 (cited by Laboratory for Molecular Medicine, Mass General Brigham Personalized Medicine and Ambry Genetics); PubMed 20931554 (cited by Laboratory for Molecular Medicine, Mass General Brigham Personalized Medicine and Women's Health and Genetics/Laboratory Corporation of America, LabCorp); PubMed 9829905 (cited by Myriad Genetics, Inc.); PubMed 22692182 (cited by Ambry Genetics); PubMed 25637381 (cited by Ambry Genetics).